The following is an entry in ClinVar:

NM_006796.3(AFG3L2):c.580C>T (p.Arg194Cys)

Gene: AFG3L2 (AFG3 like matrix AAA peptidase subunit 2; minus strand). Cytogenetic location: 18p11.21.
Variant type: single nucleotide variant.
Coding change: c.580C>T on transcript NM_006796.3 (MANE Select); coding-DNA position 580, C replaced by T.
Protein change: p.Arg194Cys; replaces arginine 194 with cysteine.
Molecular consequence: missense variant.
Genome position (GRCh38, 1-based): chr18:12,363,829, G>A on the plus strand (C>T on the coding strand, the complement: AFG3L2 is on the minus strand). VCF-style: chr18-12363829-G-A. GRCh37 (hg19) VCF-style: chr18-12363828-G-A.
Other names: short protein forms R194C.
Identifiers: ClinVar variation 423538 (VCV000423538.4), dbSNP rs1020519204, ClinGen allele CA16620663.
Genomic context (GRCh38, chr18:12,363,829, plus strand): 5'-TAAAATGATTTACCCCATCAACAGGAGTTTTTCCTGGTGTAAAGGTCACTCGAACAAAAC[G>A]CTTGTTGACGACTTCCAATCTGTCTACCTAGAATTTTAAAAATAAATTCACACATAAATT-3'
Protein context (NP_006787.2, residues 184-204): VVDRLEVVNK[Arg194Cys]FVRVTFTPGK

ClinVar aggregate classification (germline): Uncertain significance. Review status: criteria provided, multiple submitters, no conflicts (2 of 4 stars). 3 submissions from 3 submitters: Uncertain significance (3). Last evaluated 2026-01-19.

Conditions:
AFG3L2-related disorder. Also called: AFG3L2-related condition.

Allele frequency attached by ClinVar (database versions not stated): TOPMed below 0.00001; gnomAD exomes 0.00001 and below 0.00001.
gnomAD v4.1: 5 of 1,613,168 alleles (0.00031%); highest among the groups gnomAD compares: Admixed American, 0.0033%; no homozygotes.

Submissions (3):

Labcorp Genetics (formerly Invitae), Labcorp
Classification: Uncertain significance. Last evaluated: 2026-01-19. Review status: criteria provided, single submitter. Criteria: Invitae Variant Classification Sherloc (09022015). Collection method: clinical testing. Allele origin: germline.
Comment: This sequence change replaces arginine, which is basic and polar, with cysteine, which is neutral and slightly polar, at codon 194 of the AFG3L2 protein (p.Arg194Cys). This variant is present in population databases (no rsID available, gnomAD 0.006%). This variant has not been reported in the literature in individuals affected with AFG3L2-related conditions. ClinVar contains an entry for this variant (Variation ID: 423538). Invitae Evidence Modeling of protein sequence and biophysical properties (such as structural, functional, and spatial information, amino acid conservation, physicochemical variation, residue mobility, and thermodynamic stability) has been performed for this missense variant. However, the output from this modeling did not meet the statistical confidence thresholds required to predict the impact of this variant on AFG3L2 protein function. In summary, the available evidence is currently insufficient to determine the role of this variant in disease. Therefore, it has been classified as a Variant of Uncertain Significance.

PreventionGenetics, part of Exact Sciences
Classification: Uncertain significance for AFG3L2-related condition. Last evaluated: 2023-01-24. Review status: criteria provided, single submitter. Criteria: ACMG Guidelines, 2015. Collection method: clinical testing. Allele origin: germline.
Comment: The AFG3L2 c.580C>T variant is predicted to result in the amino acid substitution p.Arg194Cys. To our knowledge, this variant has not been reported in the literature. This variant is reported in 0.0058% of alleles in individuals of Latino descent in gnomAD. At this time, the clinical significance of this variant is uncertain due to the absence of conclusive functional and genetic evidence.

GeneDx
Classification: Uncertain significance. Last evaluated: 2017-02-10. Review status: criteria provided, single submitter. Criteria: GeneDx Variant Classification (06012015). Collection method: clinical testing. Allele origin: germline. Affected: yes.
Comment: The R194C variant in the AFG3L2 gene has not been reported previously as a pathogenic variant, nor as a benign variant, to our knowledge. The R194C variant is not observed in large population cohorts (Lek et al., 2016; 1000 Genomes Consortium et al., 2015; Exome Variant Server). The R194C variant is a non-conservative amino acid substitution, which is likely to impact secondary protein structure as these residues differ in polarity, charge, size and/or other properties. This substitution occurs at a position where amino acids with similar properties to Arginine are tolerated across species. In silico analysis predicts this variant is probably damaging to the protein structure/function. We interpret R194C as a variant of uncertain significance.